The following is an entry in ClinVar:

NM_007259.5(VPS45):c.1414G>A (p.Glu472Lys)

Gene: VPS45 (vacuolar protein sorting 45 homolog; plus strand). Cytogenetic location: 1q21.2.
Variant type: single nucleotide variant.
Coding change: c.1414G>A on transcript NM_007259.5 (MANE Select); coding-DNA position 1414, G replaced by A.
Protein change: p.Glu472Lys; replaces glutamic acid 472 with lysine.
Molecular consequence: missense variant. On other transcripts: non-coding transcript variant (1).
Genome position (GRCh38, 1-based): chr1:150,093,569, G>A. VCF-style: chr1-150093569-G-A. GRCh37 (hg19) VCF-style: chr1-150065665-G-A.
Other names: c.1099G>A, p.Glu367Lys (NM_001279353.2); c.1306G>A, p.Glu436Lys (NM_001279354.2); short protein forms E367K, E436K, E472K.
Identifiers: ClinVar variation 1008798 (VCV001008798.8), dbSNP rs1656459616, ClinGen allele CA342257247.

ClinVar aggregate classification (germline): Uncertain significance (1 of 4 stars; one submission).

Conditions:
Congenital neutropenia-myelofibrosis-nephromegaly syndrome. Also called: Severe congenital neutropenia 5, autosomal recessive. Identifiers: Orphanet 369852, MedGen C3809031, MONDO:0014118, OMIM 615285.

Submission:

Labcorp Genetics (formerly Invitae), Labcorp
Classification: Uncertain significance for Congenital neutropenia-myelofibrosis-nephromegaly syndrome. Last evaluated: 2022-07-11. Review status: criteria provided, single submitter. Criteria: Invitae Variant Classification Sherloc (09022015). Collection method: clinical testing. Allele origin: germline.
Comment: This sequence change replaces glutamic acid, which is acidic and polar, with lysine, which is basic and polar, at codon 472 of the VPS45 protein (p.Glu472Lys). This variant is not present in population databases (gnomAD no frequency). In summary, the available evidence is currently insufficient to determine the role of this variant in disease. Therefore, it has been classified as a Variant of Uncertain Significance. Algorithms developed to predict the effect of missense changes on protein structure and function (SIFT, PolyPhen-2, Align-GVGD) all suggest that this variant is likely to be tolerated. ClinVar contains an entry for this variant (Variation ID: 1008798). This variant has not been reported in the literature in individuals affected with VPS45-related conditions.